The following is an entry in ClinVar:

NM_000719.7(CACNA1C):c.232T>A (p.Ser78Thr)

Gene: CACNA1C (calcium voltage-gated channel subunit alpha1 C; plus strand). Cytogenetic location: 12p13.33.
Variant type: single nucleotide variant.
Coding change: c.232T>A on transcript NM_000719.7 (MANE Select); coding-DNA position 232, T replaced by A.
Protein change: p.Ser78Thr; replaces serine 78 with threonine.
Molecular consequence: missense variant.
Genome position (GRCh38, 1-based): chr12:2,115,406, T>A. VCF-style: chr12-2115406-T-A. GRCh37 (hg19) VCF-style: chr12-2224572-T-A.
Other names: c.232T>A, p.Ser78Thr (NM_001129827.2, NM_001129829.2, NM_001129830.3 and 19 more transcripts); short protein forms S78T.
Identifiers: ClinVar variation 456953 (VCV000456953.9), dbSNP rs1555193020, ClinGen allele CA383653204.

ClinVar aggregate classification (germline): Uncertain significance (1 of 4 stars; one submission).

Conditions:
Long QT syndrome (LQTS). Identifiers: MedGen C0023976, MeSH D008133, MONDO:0002442. Disease mechanism: loss of function. Inheritance: Various modes of inheritance.

Submission:

Labcorp Genetics (formerly Invitae), Labcorp
Classification: Uncertain significance for Long QT syndrome. Last evaluated: 2017-07-29. Review status: criteria provided, single submitter. Criteria: Invitae Variant Classification Sherloc (09022015). Collection method: clinical testing. Allele origin: germline.
Comment: This sequence change replaces serine with threonine at codon 78 of the CACNA1C protein (p.Ser78Thr). The serine residue is weakly conserved and there is a small physicochemical difference between serine and threonine. This variant is not present in population databases (ExAC no frequency). In summary, the available evidence is currently insufficient to determine the role of this variant in disease. Therefore, it has been classified as a Variant of Uncertain Significance. Algorithms developed to predict the effect of missense changes on protein structure and function do not agree on the potential impact of this missense change (SIFT: "Tolerated"; PolyPhen-2: "Probably Damaging"; Align-GVGD: "Class C0"). This variant has not been reported in the literature in individuals with CACNA1C-related disease.